The following is an entry in ClinVar:

NM_005898.5(CAPRIN1):c.947G>A (p.Trp316Ter)

Gene: CAPRIN1 (cell cycle associated protein 1; plus strand). Cytogenetic location: 11p13.
Variant type: single nucleotide variant.
Coding change: c.947G>A on transcript NM_005898.5 (MANE Select); coding-DNA position 947, G replaced by A.
Protein change: p.Trp316Ter; replaces tryptophan 316 with a stop codon.
Molecular consequence: nonsense.
Genome position (GRCh38, 1-based): chr11:34,083,022, G>A. VCF-style: chr11-34083022-G-A. GRCh37 (hg19) VCF-style: chr11-34104569-G-A.
Other names: c.947G>A, p.Trp316Ter (NM_203364.3); short protein forms W316*.
Identifiers: ClinVar variation 4218957 (VCV004218957.1).

ClinVar aggregate classification (germline): Pathogenic (1 of 4 stars; one submission).

Submission:

Ambry Genetics
Classification: Pathogenic. Last evaluated: 2025-07-08. Review status: criteria provided, single submitter. Criteria: Ambry Variant Classification Scheme 2023. Collection method: clinical testing. Allele origin: germline.
Comment: The c.947G>A (p.W316*) alteration, located in exon 9 (coding exon 8) of the CAPRIN1 gene, consists of a G to A substitution at nucleotide position 947. This changes the amino acid from a tryptophan (W) to a stop codon at amino acid position 316. This alteration is expected to result in loss of function by premature protein truncation or nonsense-mediated mRNA decay. This variant was not reported in population-based cohorts in the Genome Aggregation Database (gnomAD). Based on the available evidence, this alteration is classified as pathogenic.